The following is an entry in ClinVar:

NM_000273.3(GPR143):c.163_170del (p.Ala55fs)

Gene: GPR143 (G protein-coupled receptor 143; minus strand). Cytogenetic location: Xp22.2.
Variant type: Deletion.
Coding change: c.163_170del on transcript NM_000273.3 (MANE Select); coding-DNA positions 163 to 170, 8 bases deleted (GCGGGCCC; older notation c.163_170delGCGGGCCC).
Protein change: p.Ala55fs; shifts the reading frame from alanine 55.
Molecular consequence: frameshift variant.
Genome position (GRCh38, 1-based): chrX:9,765,648-9,765,655, GGGCCCGC deleted on the plus strand (GCGGGCCC on the coding strand, the reverse complement: GPR143 is on the minus strand); deleting any 8 consecutive bases within chrX:9,765,648-9,765,660 gives the same sequence; the c. name uses the placement nearest the transcript's 3' end. VCF-style (leftmost placement, unchanged base first): chrX-9765647-GGGGCCCGC-G. GRCh37 (hg19) VCF-style: chrX-9733687-GGGGCCCGC-G.
Other names: short protein forms A55fs.
Identifiers: ClinVar variation 373042 (VCV000373042.5), dbSNP rs1057518164, ClinGen allele CA16043324.

ClinVar aggregate classification (germline): Pathogenic. Review status: criteria provided, multiple submitters, no conflicts (2 of 4 stars). 4 submissions from 4 submitters: Pathogenic (4). Last evaluated 2025-10-28.

Conditions:
Retinal disorder. Also called: Retinopathy; Retinopathies; Retinal Diseases; Retinal disorders. Identifiers: MedGen C0035309, MONDO:0005283, HP:0000488.
GPR143-related disorders.

Submissions (4):

Genetics Laboratory, Great Ormond Street Hospital NHS Foundation Trust, North Thames Genomic Laboratory Hub
Classification: Pathogenic for Retinal disorders. Last evaluated: 2025-10-28. Review status: criteria provided, single submitter. Criteria: ACGS Best Practice Guidelines for Variant Classification in Rare Disease 2024 v1.2. Collection method: clinical testing. Allele origin: germline. Affected: yes.
Comment: PS4_supporting, PM2_moderate, PVS1_very-strong

Labcorp Genetics (formerly Invitae), Labcorp
Classification: Pathogenic. Last evaluated: 2025-07-29. Review status: criteria provided, single submitter. Criteria: Invitae Variant Classification Sherloc (09022015). Collection method: clinical testing. Allele origin: germline.
Comment: This sequence change creates a premature translational stop signal (p.Ala55Argfs*43) in the GPR143 gene. It is expected to result in an absent or disrupted protein product. Loss-of-function variants in GPR143 are known to be pathogenic (PMID: 15965158, 18978956, 19390656, 21541274, 26160353, 28211458). The frequency data for this variant in the population databases is considered unreliable, as metrics indicate insufficient coverage at this position in the gnomAD database. This premature translational stop signal has been observed in individual(s) with albinism (PMID: 26785811). ClinVar contains an entry for this variant (Variation ID: 373042). For these reasons, this variant has been classified as Pathogenic.

Blueprint Genetics
Classification: Pathogenic for GPR143-related disorders. Last evaluated: 2022-03-14. Review status: criteria provided, single submitter. Criteria: ACMG Guidelines, 2015. Collection method: clinical testing. Allele origin: germline. Affected: yes. Observed: 1 variant allele.

GeneDx
Classification: Pathogenic. Last evaluated: 2016-10-12. Review status: criteria provided, single submitter. Criteria: GeneDx Variant Classification (06012015). Collection method: clinical testing. Allele origin: germline. Affected: yes.
Comment: The c.163_170delGCGGGCCC pathogenic variant in the GPR143 gene has not been reported previously as a pathogenic variant nor as a benign variant, to our knowledge. This variant causes a frameshift starting with codon Alanine 55, changes this amino acid to an Arginine residue, and creates a premature Stop codon at position 43 of the new reading frame, denoted p.Ala55ArgfsX43. This variant is predicted to cause loss of normal protein function either through protein truncation or nonsense-mediated mRNA decay. Sufficient data from control individuals in the NHLBI Exome Sequencing Project and Exome Aggregation Consortium data sets were not available to assess whether the c.163_170delGCGGGCCC variant may be a common benign variant in the general population; however, this variant has not been detected previously in the internal database at GeneDx. We interpret c.163_170delGCGGGCCC as a pathogenic variant.

Literature cited by the submitters: PubMed 15965158 (cited by Labcorp Genetics (formerly Invitae), Labcorp); PubMed 18978956 (cited by Labcorp Genetics (formerly Invitae), Labcorp); PubMed 19390656 (cited by Labcorp Genetics (formerly Invitae), Labcorp); PubMed 21541274 (cited by Labcorp Genetics (formerly Invitae), Labcorp); PubMed 26160353 (cited by Labcorp Genetics (formerly Invitae), Labcorp); PubMed 28211458 (cited by Labcorp Genetics (formerly Invitae), Labcorp); PubMed 26785811 (cited by Labcorp Genetics (formerly Invitae), Labcorp).